The following is an entry in ClinVar:

ClinVar aggregate classification (germline): Pathogenic. Review status: criteria provided, single submitter (1 of 4 stars). 2 submissions from 2 submitters: Pathogenic (1). 1 of the submissions does not count toward it.

Conditions:
Cohen syndrome (COH1). Also called: PEPPER SYNDROME; Cutis verticis gyrata, retinitis pigmentosa, and sensorineural deafness. Identifiers: Orphanet 193, MedGen C0265223, MONDO:0008999, OMIM 216550.

Submissions (2):

Juno Genomics, Hangzhou Juno Genomics, Inc
Classification: Pathogenic for Cohen syndrome. Review status: criteria provided, single submitter. Criteria: ACMG Guidelines, 2015. Collection method: clinical testing. Allele origin: germline. Affected: yes.
Comment: Null variant in a gene where loss of function (LOF) is a known mechanism of disease.;Absent from controls (or at extremely low frequency if recessive) in Genome Aggregation Database, Exome Sequencing Project, 1000 Genomes Project, or Exome Aggregation Consortium.;For recessive disorders, detected in trans with a pathogenic variant.;Patient's phenotype or family history is highly specific for a disease with a single genetic etiology.

Juha Muilu Group; Institute for Molecular Medicine Finland (FIMM)
Classification: Likely pathogenic for Cohen syndrome. Review status: no assertion criteria provided. Collection method: not provided. Allele origin: unknown. Not counted in ClinVar's aggregate classification.
Comment: FinDis database variant: This variant was not found or characterized by our laboratory, data were collected from public sources: see reference
ClinVar note: Converted during submission from probable-pathogenic to Likely pathogenic.

NM_152564.5(VPS13B):c.11430del (p.Lys3810fs)

Gene: VPS13B (vacuolar protein sorting 13 homolog B; plus strand). Cytogenetic location: 8q22.2.
Variant type: Deletion.
Coding change: c.11430del on transcript NM_152564.5 (MANE Select); coding-DNA position 11430, one base deleted (A; older notation c.11430delA).
Protein change: p.Lys3810fs; shifts the reading frame from lysine 3810.
Molecular consequence: frameshift variant.
Genome position (GRCh38, 1-based): chr8:99,870,822, A deleted; the last of 3 consecutive A bases (chr8:99,870,820-99,870,822); deleting any one gives the same sequence. VCF-style (leftmost placement, unchanged base first): chr8-99870819-CA-C. GRCh37 (hg19) VCF-style: chr8-100883047-CA-C.
Other names: c.11505delA (NM_017890.4); c.11505del, p.Lys3835fs (NM_017890.5); short protein forms K3810fs, K3835fs.
Identifiers: ClinVar variation 56636 (VCV000056636.4), dbSNP rs386834062, ClinGen allele CA264013.